The following is an entry in ClinVar:

NM_001267550.2(TTN):c.98500del (p.Glu32834fs)

Genes: TTN-AS1 (TTN antisense RNA 1; plus strand), TTN (titin; minus strand). Cytogenetic location: 2q31.2.
Variant type: Deletion.
Coding change: c.98500del on transcript NM_001267550.2 (MANE Select); coding-DNA position 98500, one base deleted (G; older notation c.98500delG).
Protein change: p.Glu32834fs; shifts the reading frame from glutamic acid 32834.
Molecular consequence: frameshift variant. On other transcripts: non-coding transcript variant (1).
Genome position (GRCh38, 1-based): chr2:178,539,565, C deleted on the plus strand (G on the coding strand, the reverse complement: TTN is on the minus strand). VCF-style (leftmost placement, unchanged base first): chr2-178539564-TC-T. GRCh37 (hg19) VCF-style: chr2-179404291-TC-T.
Other names: c.93577del, p.Glu31193fs (NM_001256850.1); c.71305del, p.Glu23769fs (NM_003319.4); c.90796del, p.Glu30266fs (NM_133378.4); c.71680del, p.Glu23894fs (NM_133432.3); c.71881del, p.Glu23961fs (NM_133437.4); short protein forms E23769fs, E23894fs, E23961fs, E30266fs, E31193fs, E32834fs.
Identifiers: ClinVar variation 1066478 (VCV001066478.12), dbSNP rs2154140017, ClinGen allele CA2499215299.

ClinVar aggregate classification (germline): Likely pathogenic (1 of 4 stars; one submission).

Conditions:
Dilated cardiomyopathy 1G (CMD1G). Identifiers: Orphanet 154, MedGen C1858763, MONDO:0011400, OMIM 604145.
Autosomal recessive limb-girdle muscular dystrophy type 2J (LGMDR10). Also called: Limb-girdle muscular dystrophy, type 2J; MUSCULAR DYSTROPHY, LIMB-GIRDLE, AUTOSOMAL RECESSIVE 10. Identifiers: Orphanet 140922, MedGen C1837342, MONDO:0012127, OMIM 608807.

Submission:

Labcorp Genetics (formerly Invitae), Labcorp
Classification: Likely pathogenic for Dilated cardiomyopathy 1G; Autosomal recessive limb-girdle muscular dystrophy type 2J. Last evaluated: 2023-10-13. Review status: criteria provided, single submitter. Criteria: Invitae Variant Classification Sherloc (09022015). Collection method: clinical testing. Allele origin: germline.
Comment: This sequence change creates a premature translational stop signal (p.Glu32834Argfs*24) in the TTN gene. While this is not anticipated to result in nonsense mediated decay, it is expected to create a truncated TTN protein. This variant is not present in population databases (gnomAD no frequency). This variant has not been reported in the literature in individuals affected with TTN-related conditions. ClinVar contains an entry for this variant (Variation ID: 1066478). This variant is located in the A band of TTN (PMID: 25589632). Truncating variants in this region are significantly overrepresented in patients affected with dilated cardiomyopathy (PMID: 25589632). Truncating variants in this region have also been reported in individuals affected with autosomal recessive centronuclear myopathy (PMID: 23975875). In summary, the currently available evidence indicates that the variant is pathogenic, but additional data are needed to prove that conclusively. Therefore, this variant has been classified as Likely Pathogenic.

Literature cited by the submitters: PubMed 25589632; PubMed 23975875.